The following is an entry in ClinVar:

ClinVar aggregate classification (germline): Uncertain significance (1 of 4 stars; one submission).

Conditions:
Immunodeficiency, common variable, 4. Also called: ANTIBODY DEFICIENCY DUE TO BAFFR DEFECT. Identifiers: Orphanet 1572, Orphanet 696925, MedGen C3150739, MONDO:0013284, OMIM 613494.

Allele frequency attached by ClinVar (database versions not stated): gnomAD exomes 0.00001; TOPMed below 0.00001.

Submission:

Labcorp Genetics (formerly Invitae), Labcorp
Classification: Uncertain significance for Immunodeficiency, common variable, 4. Last evaluated: 2023-02-04. Review status: criteria provided, single submitter. Criteria: Invitae Variant Classification Sherloc (09022015). Collection method: clinical testing. Allele origin: germline.
Comment: This sequence change replaces glycine, which is neutral and non-polar, with serine, which is neutral and polar, at codon 80 of the TNFRSF13C protein (p.Gly80Ser). This variant is present in population databases (rs747671330, gnomAD 0.001%). This variant has not been reported in the literature in individuals affected with TNFRSF13C-related conditions. ClinVar contains an entry for this variant (Variation ID: 1470219). Algorithms developed to predict the effect of missense changes on protein structure and function (SIFT, PolyPhen-2, Align-GVGD) all suggest that this variant is likely to be disruptive. In summary, the available evidence is currently insufficient to determine the role of this variant in disease. Therefore, it has been classified as a Variant of Uncertain Significance.

NM_052945.4(TNFRSF13C):c.238G>A (p.Gly80Ser)

Genes: TNFRSF13C (TNF receptor superfamily member 13C; minus strand), LOC130067574 (ATAC-STARR-seq lymphoblastoid silent region 13813; plus strand). Cytogenetic location: 22q13.2.
Variant type: single nucleotide variant.
Coding change: c.238G>A on transcript NM_052945.4 (MANE Select); coding-DNA position 238, G replaced by A.
Protein change: p.Gly80Ser; replaces glycine 80 with serine.
Molecular consequence: missense variant.
Genome position (GRCh38, 1-based): chr22:41,926,230, C>T on the plus strand (G>A on the coding strand, the complement: TNFRSF13C is on the minus strand). VCF-style: chr22-41926230-C-T. GRCh37 (hg19) VCF-style: chr22-42322234-C-T.
Other names: short protein forms G80S.
Identifiers: ClinVar variation 1470219 (VCV001470219.8), dbSNP rs747671330, ClinGen allele CA10262503.